The following is an entry in ClinVar:

ClinVar aggregate classification (germline): Pathogenic. Review status: criteria provided, multiple submitters, no conflicts (2 of 4 stars). 4 submissions from 4 submitters: Pathogenic (3). 1 of the submissions does not count toward it. Last evaluated 2026-03-18.

Conditions:
Birt-Hogg-Dube syndrome. Also called: Birt Hogg Dubé syndrome. Identifiers: Orphanet 122, MedGen C0346010, MONDO:0800444.
Birt-Hogg-Dube syndrome 1 (BHD1). Also called: FIBROFOLLICULOMAS WITH TRICHODISCOMAS AND ACROCHORDONS. Identifiers: Orphanet 122, MedGen CN375946, MONDO:0800445, OMIM 135150.
Hereditary cancer-predisposing syndrome. Also called: Tumor predisposition; Hereditary Cancer Syndrome; Neoplastic Syndromes, Hereditary; Hereditary neoplastic syndrome. Identifiers: Orphanet 140162, MedGen C0027672, MeSH D009386, MONDO:0015356.

Submissions (4):

Myriad Genetics, Inc.
Classification: Pathogenic for Birt-Hogg-Dube syndrome 1. Last evaluated: 2026-03-18. Review status: criteria provided, single submitter. Criteria: Myriad Autosomal Dominant, Autosomal Recessive and X-Linked Classification Criteria (2023). Collection method: clinical testing. Allele origin: unknown.
Comment: This variant is considered pathogenic. This variant occurs within a consensus splice junction and is predicted to result in abnormal mRNA splicing of either an out-of-frame exon or an in-frame exon necessary for protein stability and/or normal function. mRNA analysis has demonstrated abnormal mRNA splicing occurs [PMID: 29720200]. This variant has been reported in multiple individuals with clinical features of gene-specific disease [PMID: 29720200, 31302073, 15852235, 27734835, 34145047].

Ambry Genetics
Classification: Pathogenic for Hereditary cancer-predisposing syndrome. Last evaluated: 2024-12-04. Review status: criteria provided, single submitter. Criteria: Ambry Variant Classification Scheme 2023. Collection method: clinical testing. Allele origin: germline.
Comment: The c.1062+1G>A intronic pathogenic mutation results from a G to A substitution one nucleotide after coding exon 6 of the FLCN gene. This alteration was seen in a family with nine members clinically diagnosed with Birt-Hogg-Dube syndrome. Clinical findings included fibrofolliculomas, renal tumors, lung cysts and pneumothorax (Schmidt LS et al. Am. J. Hum. Genet. 2005 Jun; 76(6):1023-33). RNA showed out of frame inclusion of 130 nucleotides of intron 6 (referred to as intron 9) (Furuya M et al. BMC Med Genomics, 2018 May;11:42). Of note, this alteration is also known as IVS9+1G>A in published literature. This variant is considered to be rare based on population cohorts in the Genome Aggregation Database (gnomAD).This nucleotide position is highly conserved in available vertebrate species. In silico splice site analysis predicts that this alteration will weaken the native splice donor site. In addition to the clinical data presented in the literature, alterations that disrupt the canonical splice site are expected to cause aberrant splicing, resulting in an abnormal protein or a transcript that is subject to nonsense-mediated mRNA decay. As such, this alteration is classified as a disease-causing mutation.

Labcorp Genetics (formerly Invitae), Labcorp
Classification: Pathogenic for Birt-Hogg-Dube syndrome. Last evaluated: 2023-09-30. Review status: criteria provided, single submitter. Criteria: Invitae Variant Classification Sherloc (09022015). Collection method: clinical testing. Allele origin: germline.
Comment: This sequence change affects a donor splice site in intron 9 of the FLCN gene. RNA analysis indicates that disruption of this splice site induces altered splicing and may result in an absent or disrupted protein product. This variant is not present in population databases (gnomAD no frequency). Disruption of this splice site has been observed in individuals with Birt-Hogg-Dubé syndrome (PMID: 15852235, 29720200). ClinVar contains an entry for this variant (Variation ID: 428646). Studies have shown that disruption of this splice site results in retention of part of intron 9 sequence and introduces a premature termination codon (PMID: 29720200). The resulting mRNA is expected to undergo nonsense-mediated decay. For these reasons, this variant has been classified as Pathogenic.

Division of Respiratory Medicine of Juntendo University, Juntendo University Faculty of Medicine and Graduate School of Medicine
Classification: Pathogenic for Birt-Hogg-Dube syndrome 1. Last evaluated: 2023-07-01. Review status: no assertion criteria provided. Collection method: clinical testing. Allele origin: germline. Affected: yes. Not counted in ClinVar's aggregate classification.

Literature cited by the submitters: PubMed 29720200 (cited by 3 submitters); PubMed 31302073 (cited by Myriad Genetics, Inc.); PubMed 15852235 (cited by 3 submitters); PubMed 27734835 (cited by Myriad Genetics, Inc.); PubMed 34145047 (cited by Myriad Genetics, Inc.); PubMed 18234728 (cited by Ambry Genetics).

NM_144997.7(FLCN):c.1062+1G>A

Gene: FLCN (folliculin; minus strand). Cytogenetic location: 17p11.2.
Variant type: single nucleotide variant.
Coding change: c.1062+1G>A on transcript NM_144997.7 (MANE Select); the canonical splice donor site of the intron after coding-DNA position 1062, G replaced by A.
Molecular consequence: splice donor variant.
Genome position (GRCh38, 1-based): chr17:17,219,018, C>T on the plus strand (G>A on the coding strand, the complement: FLCN is on the minus strand). VCF-style: chr17-17219018-C-T. GRCh37 (hg19) VCF-style: chr17-17122332-C-T.
Other names: c.1062+1G>A (NM_001353231.2, NM_001353230.2); c.1116+1G>A (NM_001353229.2).
Identifiers: ClinVar variation 428646 (VCV000428646.13), dbSNP rs1131690832, ClinGen allele CA398532584.